The following is an entry in ClinVar:

Conditions:
Breast-ovarian cancer, familial, susceptibility to, 1 (BROVCA1). Also called: BRCA1 Hereditary Breast and Ovarian Cancer; OVARIAN CANCER, SUSCEPTIBILITY TO. Identifiers: Orphanet 145, MedGen C2676676, MONDO:0011450, OMIM 604370. Disease mechanism: loss of function.

Submission:

Brotman Baty Institute, University of Washington
No classification provided (evidence only). Condition: Breast-ovarian cancer, familial 1. Review status: no classification provided. Collection method: in vitro. Allele origin: not applicable. Functional consequence: functionally_normal.
ClinVar note: "not provided" was previously submitted as the classification for the variant. However, the classification appeared to be based only on an observation of functional data so it was converted to no classification on 2025-07-30.

NM_007294.4(BRCA1):c.5468-5T>A

Gene: BRCA1 (BRCA1 DNA repair associated; minus strand). Cytogenetic location: 17q21.31.
Variant type: single nucleotide variant.
Coding change: c.5468-5T>A on transcript NM_007294.4 (MANE Select); 5 bases into the intron before coding-DNA position 5468, T replaced by A.
Molecular consequence: intron variant.
Genome position (GRCh38, 1-based): chr17:43,045,807, A>T on the plus strand (T>A on the coding strand, the complement: BRCA1 is on the minus strand). VCF-style: chr17-43045807-A-T. GRCh37 (hg19) VCF-style: chr17-41197824-A-T.
Other names: c.5468-5T>A (NM_001407603.1, NM_001407598.1, NM_001407596.1 and 5 more transcripts); c.2024-5T>A (NM_001408451.1); c.5255-5T>A (NM_001407898.1, NM_001407894.1, NM_001407909.1 and 12 more transcripts); c.5258-5T>A (NM_001407881.1, NM_001407887.1, NM_001407889.1 and 5 more transcripts); c.5201-5T>A (NM_001407932.1, NM_001407928.1, NM_001407929.1 and 4 more transcripts); c.2015-5T>A (NM_001408464.1, NM_001408467.1, NM_001408459.1 and 7 more transcripts); c.5324-5T>A (NM_001407742.1, NM_001407736.1, NM_001407749.1 and 18 more transcripts); c.1895-5T>A (NM_001408498.1, NM_001408501.1, NM_001408500.1 and 3 more transcripts); and 83 more.
Identifiers: ClinVar variation 868558 (VCV000868558.3), dbSNP rs730881498, ClinGen allele CA916080707.